The following is an entry in ClinVar:

ClinVar aggregate classification (germline): Conflicting classifications of pathogenicity. Review status: criteria provided, conflicting classifications (1 of 4 stars). 3 submissions from 3 submitters: Uncertain significance (1); Likely benign (2). Last evaluated 2025-08-18.

Conditions:
ENO3-related disorder. Also called: ENO3-related condition.
Glycogen storage disease due to muscle beta-enolase deficiency (GSD13). Also called: ENOLASE 3 DEFICIENCY; ENOLASE-BETA DEFICIENCY; GSD XIII; Glycogen Storage Disease Type XIII. Identifiers: Orphanet 99849, MedGen C2752027, MONDO:0013046, OMIM 612932.

Allele frequency attached by ClinVar (database versions not stated): gnomAD exomes below 0.00001 and 0.00003; ExAC 0.00001; gnomAD 0.00001; TOPMed 0.00001.
gnomAD v4.1: 46 of 1,614,072 alleles (0.0028%); highest among the groups gnomAD compares: East Asian, 0.08%; no homozygotes.

Submissions (3):

PreventionGenetics, part of Exact Sciences
Classification: Likely benign for ENO3-related condition. Last evaluated: 2025-08-18. Review status: criteria provided, single submitter. Criteria: ACMG Guidelines, 2015. Collection method: clinical testing. Allele origin: germline.
Comment: This variant is classified as likely benign based on ACMG/AMP sequence variant interpretation guidelines (Richards et al. 2015 PMID: 25741868, with internal and published modifications).

Labcorp Genetics (formerly Invitae), Labcorp
Classification: Likely benign for Glycogen storage disease due to muscle beta-enolase deficiency. Last evaluated: 2023-07-07. Review status: criteria provided, single submitter. Criteria: Invitae Variant Classification Sherloc (09022015). Collection method: clinical testing. Allele origin: germline.

Illumina Laboratory Services, Illumina
Classification: Uncertain significance for Glycogen storage disease due to muscle beta-enolase deficiency. Last evaluated: 2018-01-13. Review status: criteria provided, single submitter. Criteria: ICSL Variant Classification Criteria 13 December 2019. Collection method: clinical testing. Allele origin: germline.

NM_053013.4(ENO3):c.363G>A (p.Ala121=)

Gene: ENO3 (enolase 3; plus strand). Cytogenetic location: 17p13.2.
Variant type: single nucleotide variant.
Coding change: c.363G>A on transcript NM_053013.4 (MANE Select); coding-DNA position 363, G replaced by A.
Protein change: p.Ala121=; no amino-acid change (alanine 121 retained).
Molecular consequence: synonymous variant.
Genome position (GRCh38, 1-based): chr17:4,953,764, G>A. VCF-style: chr17-4953764-G-A. GRCh37 (hg19) VCF-style: chr17-4857059-G-A.
Other names: c.234G>A, p.Ala78= (NM_001193503.2); c.363G>A, p.Ala121= (NM_001976.5).
Identifiers: ClinVar variation 324139 (VCV000324139.9), dbSNP rs201872558, ClinGen allele CA8316276.
Genomic context (GRCh38, chr17:4,953,764, plus strand): 5'-CCTTCCAGCCAAGTTTGGGGCCAATGCCATCCTGGGCGTGTCCTTGGCCGTGTGTAAGGC[G>A]GGAGCAGCTGAGAAGGGGGTCCCCCTGTACCGCCACATCGCAGATCTCGCTGGGAACCCT-3'
Protein context (NP_443739.3, residues 111-131): ILGVSLAVCK[Ala121=]GAAEKGVPLY